The following is an entry in ClinVar:

NM_002354.3(EPCAM):c.541A>T (p.Ile181Phe)

Gene: EPCAM (epithelial cell adhesion molecule; plus strand). Cytogenetic location: 2p21.
Variant type: single nucleotide variant.
Coding change: c.541A>T on transcript NM_002354.3 (MANE Select); coding-DNA position 541, A replaced by T.
Protein change: p.Ile181Phe; replaces isoleucine 181 with phenylalanine.
Molecular consequence: missense variant.
Genome position (GRCh38, 1-based): chr2:47,377,063, A>T. VCF-style: chr2-47377063-A-T. GRCh37 (hg19) VCF-style: chr2-47604202-A-T.
Other names: short protein forms I181F.
Identifiers: ClinVar variation 3845280 (VCV003845280.1).

ClinVar aggregate classification (germline): Uncertain significance (1 of 4 stars; one submission).

Conditions:
Hereditary cancer-predisposing syndrome. Also called: Hereditary neoplastic syndrome; Neoplastic Syndromes, Hereditary; Tumor predisposition; Hereditary Cancer Syndrome. Identifiers: Orphanet 140162, MedGen C0027672, MeSH D009386, MONDO:0015356.

Submission:

Ambry Genetics
Classification: Uncertain significance for Hereditary cancer-predisposing syndrome. Last evaluated: 2025-03-08. Review status: criteria provided, single submitter. Criteria: Ambry Variant Classification Scheme 2023. Collection method: clinical testing. Allele origin: germline.
Comment: The p.I181F variant (also known as c.541A>T), located in coding exon 5 of the EPCAM gene, results from an A to T substitution at nucleotide position 541. The isoleucine at codon 181 is replaced by phenylalanine, an amino acid with highly similar properties. This amino acid position is conserved. In addition, the in silico prediction for this alteration is inconclusive. Based on the available evidence, the clinical significance of this variant remains unclear.